The following is an entry in ClinVar:

NM_001267550.2(TTN):c.37734C>T (p.Ala12578=)

Gene: TTN (titin; minus strand). Cytogenetic location: 2q31.2.
Variant type: single nucleotide variant.
Coding change: c.37734C>T on transcript NM_001267550.2 (MANE Select); coding-DNA position 37734, C replaced by T.
Protein change: p.Ala12578=; no amino-acid change (alanine 12578 retained).
Molecular consequence: synonymous variant. On other transcripts: intron variant (5).
Genome position (GRCh38, 1-based): chr2:178,658,135, G>A on the plus strand (C>T on the coding strand, the complement: TTN is on the minus strand). VCF-style: chr2-178658135-G-A. GRCh37 (hg19) VCF-style: chr2-179522862-G-A.
Other names: c.13283-15818C>T (NM_003319.4); c.13859-15818C>T (NM_133437.4); c.13658-15818C>T (NM_133432.3); c.31741+870C>T (NM_133378.4); c.34522+870C>T (NM_001256850.1).
Identifiers: ClinVar variation 535231 (VCV000535231.30), dbSNP rs1280095100, ClinGen allele CA430112803.

ClinVar aggregate classification (germline): Likely benign. Review status: criteria provided, multiple submitters, no conflicts (2 of 4 stars). 2 submissions from 2 submitters: Likely benign (2). Last evaluated 2024-04-01.

Conditions:
Dilated cardiomyopathy 1G (CMD1G). Identifiers: Orphanet 154, MedGen C1858763, MONDO:0011400, OMIM 604145.
Autosomal recessive limb-girdle muscular dystrophy type 2J (LGMDR10). Also called: Limb-girdle muscular dystrophy, type 2J; MUSCULAR DYSTROPHY, LIMB-GIRDLE, AUTOSOMAL RECESSIVE 10. Identifiers: Orphanet 140922, MedGen C1837342, MONDO:0012127, OMIM 608807.

Allele frequency attached by ClinVar (database versions not stated): gnomAD exomes 0.00001; gnomAD 0.00002.

Submissions (2):

CeGaT Center for Human Genetics Tuebingen
Classification: Likely benign. Last evaluated: 2024-04-01. Review status: criteria provided, single submitter. Criteria: CeGaT Center For Human Genetics Tuebingen Variant Classification Criteria Version 2. Collection method: clinical testing. Allele origin: germline. Affected: yes. Observed: 1 variant allele.
Comment: TTN: BP4, BP7

Labcorp Genetics (formerly Invitae), Labcorp
Classification: Likely benign for Dilated cardiomyopathy 1G; Autosomal recessive limb-girdle muscular dystrophy type 2J. Last evaluated: 2018-10-05. Review status: criteria provided, single submitter. Criteria: Invitae Variant Classification Sherloc (09022015). Collection method: clinical testing. Allele origin: germline.